The following is an entry in ClinVar:

ClinVar aggregate classification (germline): Uncertain significance (1 of 4 stars; one submission).

Allele frequency attached by ClinVar (database versions not stated): ExAC 0.00002; TOPMed 0.00002; gnomAD exomes 0.00003; ESP Exome Variant Server 0.00008.
gnomAD v4.1: 37 of 1,613,942 alleles (0.0023%); highest among the groups gnomAD compares: Non-Finnish European, 0.0031%; no homozygotes.

Submission:

Labcorp Genetics (formerly Invitae), Labcorp
Classification: Uncertain significance. Last evaluated: 2023-04-14. Review status: criteria provided, single submitter. Criteria: Invitae Variant Classification Sherloc (09022015). Collection method: clinical testing. Allele origin: germline.
Comment: In summary, the available evidence is currently insufficient to determine the role of this variant in disease. Therefore, it has been classified as a Variant of Uncertain Significance. Algorithms developed to predict the effect of sequence changes on RNA splicing suggest that this variant may disrupt the consensus splice site. Advanced modeling of protein sequence and biophysical properties (such as structural, functional, and spatial information, amino acid conservation, physicochemical variation, residue mobility, and thermodynamic stability) performed at Invitae indicates that this missense variant is not expected to disrupt ADCY1 protein function. ClinVar contains an entry for this variant (Variation ID: 2416877). This variant has not been reported in the literature in individuals affected with ADCY1-related conditions. This variant is present in population databases (rs377556975, gnomAD 0.004%). This sequence change replaces phenylalanine, which is neutral and non-polar, with serine, which is neutral and polar, at codon 663 of the ADCY1 protein (p.Phe663Ser).

NM_021116.4(ADCY1):c.1988T>C (p.Phe663Ser)

Gene: ADCY1 (adenylate cyclase 1; plus strand). Cytogenetic location: 7p12.3.
Variant type: single nucleotide variant.
Coding change: c.1988T>C on transcript NM_021116.4 (MANE Select); coding-DNA position 1988, T replaced by C.
Protein change: p.Phe663Ser; replaces phenylalanine 663 with serine.
Molecular consequence: missense variant.
Genome position (GRCh38, 1-based): chr7:45,684,983, T>C. VCF-style: chr7-45684983-T-C. GRCh37 (hg19) VCF-style: chr7-45724582-T-C.
Other names: short protein forms F663S.
Identifiers: ClinVar variation 2416877 (VCV002416877.6), dbSNP rs377556975, ClinGen allele CA4249119.
Genomic context (GRCh38, chr7:45,684,983, plus strand): 5'-ACGTGAATCACCTTGGTAATCAGAGGGTATTTTCTAAATTAACATTTCTTATTCAGTGTT[T>C]TCCAGGGTGCCTGACGATTCAGATTCGCACTGTCCTGTGTATTTTCATAGTGGTCTTAAT-3'
Protein context (NP_066939.1, residues 653-673): LYLHITRVQC[Phe663Ser]PGCLTIQIRT